The following is an entry in ClinVar:

Conditions:
Breast-ovarian cancer, familial, susceptibility to, 1 (BROVCA1). Also called: BRCA1 Hereditary Breast and Ovarian Cancer; OVARIAN CANCER, SUSCEPTIBILITY TO. Identifiers: Orphanet 145, MedGen C2676676, MONDO:0011450, OMIM 604370. Disease mechanism: loss of function.

Submission:

Brotman Baty Institute, University of Washington
No classification provided (evidence only). Condition: Breast-ovarian cancer, familial 1. Review status: no classification provided. Collection method: in vitro. Allele origin: not applicable. Functional consequence: functionally_normal.
ClinVar note: "not provided" was previously submitted as the classification for the variant. However, the classification appeared to be based only on an observation of functional data so it was converted to no classification on 2025-07-30.

NM_007294.4(BRCA1):c.151C>A (p.Leu51Ile)

Gene: BRCA1 (BRCA1 DNA repair associated; minus strand). Cytogenetic location: 17q21.31.
Variant type: single nucleotide variant.
Coding change: c.151C>A on transcript NM_007294.4 (MANE Select); coding-DNA position 151, C replaced by A.
Protein change: p.Leu51Ile; replaces leucine 51 with isoleucine.
Molecular consequence: missense variant. On other transcripts: non-coding transcript variant (1).
Genome position (GRCh38, 1-based): chr17:43,106,517, G>T on the plus strand (C>A on the coding strand, the complement: BRCA1 is on the minus strand). VCF-style: chr17-43106517-G-T. GRCh37 (hg19) VCF-style: chr17-41258534-G-T.
Other names: c.10C>A, p.Leu4Ile (NM_001408504.1, NM_001408505.1, NM_001408511.1 and 99 more transcripts); c.-38C>A (NM_001408506.1, NM_001408507.1, NM_001408508.1 and 58 more transcripts); c.151C>A, p.Leu51Ile (NM_007298.4, NM_007299.4, NM_007300.4 and 168 more transcripts); short protein forms L51I, L4I.
Identifiers: ClinVar variation 868228 (VCV000868228.3), dbSNP rs2054790774, ClinGen allele CA10601854.